The following is an entry in ClinVar:

ClinVar aggregate classification (germline): Uncertain significance (1 of 4 stars; one submission).

Submission:

Labcorp Genetics (formerly Invitae), Labcorp
Classification: Uncertain significance. Last evaluated: 2023-07-21. Review status: criteria provided, single submitter. Criteria: Invitae Variant Classification Sherloc (09022015). Collection method: clinical testing. Allele origin: germline.
Comment: In summary, the available evidence is currently insufficient to determine the role of this variant in disease. Therefore, it has been classified as a Variant of Uncertain Significance. Experimental studies and prediction algorithms are not available or were not evaluated, and the functional significance of this variant is currently unknown. This variant has not been reported in the literature in individuals affected with CLUAP1-related conditions. This variant is a gross deletion of the genomic region encompassing exon(s) 9-12 of the CLUAP1 gene, which includes the termination codon. This deletion extends beyond the assayed region for this gene and therefore may encompass additional genes. While this deletion is not anticipated to lead to nonsense mediated decay, it is expected to alter mRNA translation or result in a truncated protein product.

NC_000016.9:g.(?_3576412)_(3586271_?)del

Gene: CLUAP1 (clusterin associated protein 1; plus strand). Cytogenetic location: 16p13.3.
Variant type: Deletion.
Identifiers: ClinVar variation 1011522 (VCV001011522.6).